The following is an entry in ClinVar:

ClinVar aggregate classification (germline): Benign/Likely benign. Review status: criteria provided, multiple submitters, no conflicts (2 of 4 stars). 4 submissions from 4 submitters: Benign (1); Likely benign (3). Last evaluated 2025-12-10.

Conditions:
Arginine:glycine amidinotransferase deficiency (CCDS3). Also called: L-Arginine:Glycine Amidinotransferase (AGAT) Deficiency; Cerebral creatine deficiency syndrome 3; AGAT deficiency; L-Arginine:Glycine Amidinotransferase Deficiency; Creatine deficiency syndrome due to AGAT deficiency; GATM deficiency. Identifiers: Orphanet 35704, MedGen C2675179, MONDO:0012996, OMIM 612718.

Allele frequency attached by ClinVar (database versions not stated): TOPMed 0.00011; ExAC 0.00012; gnomAD exomes 0.00013 and 0.00032; ESP Exome Variant Server 0.00015; gnomAD 0.00015 and 0.00016.
gnomAD v4.1: 478 of 1,613,968 alleles (0.03%); highest among the groups gnomAD compares: Non-Finnish European, 0.039%; no homozygotes.

Submissions (4):

Labcorp Genetics (formerly Invitae), Labcorp
Classification: Likely benign for Arginine:glycine amidinotransferase deficiency. Last evaluated: 2025-12-10. Review status: criteria provided, single submitter. Criteria: Invitae Variant Classification Sherloc (09022015). Collection method: clinical testing. Allele origin: germline.

Blueprint Genetics
Classification: Likely benign. Last evaluated: 2024-10-16. Review status: criteria provided, single submitter. Criteria: ACMG Guidelines, 2015. Collection method: clinical testing. Allele origin: germline.

CeGaT Center for Human Genetics Tuebingen
Classification: Likely benign. Last evaluated: 2021-08-01. Review status: criteria provided, single submitter. Criteria: CeGaT Center For Human Genetics Tuebingen Variant Classification Criteria Version 2. Collection method: clinical testing. Allele origin: germline. Affected: yes. Observed: 1 variant allele.

GeneDx
Classification: Benign. Last evaluated: 2015-01-02. Review status: criteria provided, single submitter. Criteria: GeneDx Variant Classification (06012015). Collection method: clinical testing. Allele origin: germline. Affected: yes.
Comment: This variant is considered likely benign or benign based on one or more of the following criteria: it is a conservative change, it occurs at a poorly conserved position in the protein, it is predicted to be benign by multiple in silico algorithms, and/or has population frequency not consistent with disease.

NM_001482.3(GATM):c.282G>A (p.Glu94=)

Gene: GATM (glycine amidinotransferase; minus strand). Cytogenetic location: 15q21.1.
Variant type: single nucleotide variant.
Coding change: c.282G>A on transcript NM_001482.3 (MANE Select); coding-DNA position 282, G replaced by A.
Protein change: p.Glu94=; no amino-acid change (glutamic acid 94 retained).
Molecular consequence: synonymous variant. On other transcripts: 5 prime UTR variant (1).
Genome position (GRCh38, 1-based): chr15:45,376,607, C>T on the plus strand (G>A on the coding strand, the complement: GATM is on the minus strand). VCF-style: chr15-45376607-C-T. GRCh37 (hg19) VCF-style: chr15-45668805-C-T.
Other names: p.E94E:GAG>GAA; c.-106G>A (NM_001321015.2).
Identifiers: ClinVar variation 205612 (VCV000205612.46), dbSNP rs141223762, ClinGen allele CA314866.